The following is an entry in ClinVar:

ClinVar aggregate classification (germline): Uncertain significance (1 of 4 stars; one submission).

Submission:

CeGaT Center for Human Genetics Tuebingen
Classification: Uncertain significance. Last evaluated: 2025-11-01. Review status: criteria provided, single submitter. Criteria: CeGaT Center For Human Genetics Tuebingen Variant Classification Criteria Version 2. Collection method: clinical testing. Allele origin: germline. Affected: yes. Observed: 1 variant allele.
Comment: FYB1: PM2

NM_001465.6(FYB1):c.1676A>G (p.Tyr559Cys)

Gene: FYB1 (FYN binding protein 1; minus strand). Cytogenetic location: 5p13.1.
Variant type: single nucleotide variant.
Coding change: c.1676A>G on transcript NM_001465.6 (MANE Select); coding-DNA position 1676, A replaced by G.
Protein change: p.Tyr559Cys; replaces tyrosine 559 with cysteine.
Molecular consequence: missense variant.
Genome position (GRCh38, 1-based): chr5:39,134,349, T>C on the plus strand (A>G on the coding strand, the complement: FYB1 is on the minus strand). VCF-style: chr5-39134349-T-C. GRCh37 (hg19) VCF-style: chr5-39134451-T-C.
Other names: c.1706A>G, p.Tyr569Cys (NM_018594.2, NM_001243093.2); c.1676A>G, p.Tyr559Cys (NM_199335.5, NM_001349333.2); short protein forms Y559C, Y569C.
Identifiers: ClinVar variation 4534525 (VCV004534525.6).